The following is an entry in ClinVar:

NM_173651.4(FSIP2):c.10053G>A (p.Glu3351=)

Genes: FSIP2 (fibrous sheath interacting protein 2; plus strand), FSIP2-AS1 (FSIP2 antisense RNA 1; minus strand). Cytogenetic location: 2q32.1.
Variant type: single nucleotide variant.
Coding change: c.10053G>A on transcript NM_173651.4 (MANE Select); coding-DNA position 10053, G replaced by A.
Protein change: p.Glu3351=; no amino-acid change (glutamic acid 3351 retained).
Molecular consequence: synonymous variant.
Genome position (GRCh38, 1-based): chr2:185,797,189, G>A. VCF-style: chr2-185797189-G-A. GRCh37 (hg19) VCF-style: chr2-186661916-G-A.
Identifiers: ClinVar variation 3058393 (VCV003058393.2), dbSNP rs566254957, ClinGen allele CA2016894.
Genomic context (GRCh38, chr2:185,797,189, plus strand): 5'-AAATATTGTCAATACTGTGCTATCCAGCTGTGGCTTTCCAAGTCAACCACACACTAATGA[G>A]AACAGGGAAATAATGAAACCATTTTTCATATCAAAACAAAGCTCTTTATCTGAAGTATCT-3'
Protein context (NP_775922.3, residues 3341-3361): CGFPSQPHTN[Glu3351=]NREIMKPFFI

ClinVar aggregate classification (germline): Likely benign (0 of 4 stars; one submission).

Conditions:
FSIP2-related disorder. Also called: FSIP2-related condition.

Allele frequency attached by ClinVar (database versions not stated): gnomAD exomes 0.00005; ExAC 0.00007; gnomAD 0.00046; TOPMed 0.00056; 1000 Genomes Project 0.00100; 1000 Genomes Project 30x 0.00141.
gnomAD v4.1: 143 of 1,534,954 alleles (0.0093%); highest among the groups gnomAD compares: African/African-American, 0.15%; no homozygotes.

Submission:

PreventionGenetics, part of Exact Sciences
Classification: Likely benign for FSIP2-related condition. Last evaluated: 2019-04-11. Review status: no assertion criteria provided. Collection method: clinical testing. Allele origin: germline.
Comment: This variant is classified as likely benign based on ACMG/AMP sequence variant interpretation guidelines (Richards et al. 2015 PMID: 25741868, with internal and published modifications).